The following is an entry in ClinVar:

NM_020533.3(MCOLN1):c.11del (p.Pro4fs)

Genes: MCOLN1 (mucolipin TRP cation channel 1; plus strand), LOC130063376 (ATAC-STARR-seq lymphoblastoid silent region 9986; plus strand). Cytogenetic location: 19p13.2.
Variant type: Deletion.
Coding change: c.11del on transcript NM_020533.3 (MANE Select); coding-DNA position 11, one base deleted (C; older notation c.11delC).
Protein change: p.Pro4fs; shifts the reading frame from proline 4.
Molecular consequence: frameshift variant.
Genome position (GRCh38, 1-based): chr19:7,522,761, C deleted; the last of 4 consecutive C bases (chr19:7,522,758-7,522,761); deleting any one gives the same sequence. VCF-style (leftmost placement, unchanged base first): chr19-7522757-GC-G. GRCh37 (hg19) VCF-style: chr19-7587643-GC-G.
Other names: short protein forms P4fs.
Identifiers: ClinVar variation 4057590 (VCV004057590.2).

ClinVar aggregate classification (germline): Likely pathogenic (1 of 4 stars; one submission).

Conditions:
Mucolipidosis type IV (ML4). Also called: ML IV. Identifiers: Orphanet 578, MedGen C0238286, MONDO:0009653, OMIM 252650.

Submission:

Natera, Inc.
Classification: Likely pathogenic for Mucolipidosis type IV. Last evaluated: 2025-01-13. Review status: criteria provided, single submitter. Criteria: Natera Variant Classification Schema (03/2026). Collection method: clinical testing. Allele origin: germline.
Comment: The c.11del variant in MCOLN1 is a frameshift variant predicted to shift the reading frame beginning at codon 4 and leads to a stop codon 13 codons downstream. This variant is expected to result in nonsense mediated decay, truncation, or a dysfunctional protein product. This variant is rare in the general population with a frequency below the threshold expected for the associated phenotype(s). Given the available evidence, this variant is classified as Likely Pathogenic.